The following is an entry in ClinVar:

NM_018006.5(TRMU):c.355+1G>A

Gene: TRMU (tRNA mitochondrial 2-thiouridylase; plus strand). Cytogenetic location: 22q13.31.
Variant type: single nucleotide variant.
Coding change: c.355+1G>A on transcript NM_018006.5 (MANE Select); the canonical splice donor site of the intron after coding-DNA position 355, G replaced by A.
Molecular consequence: splice donor variant. On other transcripts: intron variant (3).
Genome position (GRCh38, 1-based): chr22:46,343,369, G>A. VCF-style: chr22-46343369-G-A. GRCh37 (hg19) VCF-style: chr22-46739266-G-A.
Other names: c.-6-3053G>A (NM_001282783.2, NM_001282784.2); c.355+1G>A (NM_001282785.2); c.14-3053G>A (NM_001282782.2).
Identifiers: ClinVar variation 1345725 (VCV001345725.6), dbSNP rs1407825579, ClinGen allele CA411942566.
Genomic context (GRCh38, chr22:46,343,369, plus strand): 5'-TAGTTTGCAACAAGCACATCAAATTTAGTTGCTTTTTTCATTATGCTGTGGATAATCTTG[G>A]TAAGTAATTTGGGTTTAAAACATTTTTTTTTTTAAAGACAGGGTCTCGCTCTGTCACCCA-3'

ClinVar aggregate classification (germline): Likely pathogenic (1 of 4 stars; one submission).

gnomAD v4.1: 1 of 1,610,400 alleles (0.000062%); highest among the groups gnomAD compares: East Asian, 0.0022%; no homozygotes.

Submission:

Labcorp Genetics (formerly Invitae), Labcorp
Classification: Likely pathogenic. Last evaluated: 2021-07-21. Review status: criteria provided, single submitter. Criteria: Invitae Variant Classification Sherloc (09022015). Collection method: clinical testing. Allele origin: germline.
Comment: In summary, the currently available evidence indicates that the variant is pathogenic, but additional data are needed to prove that conclusively. Therefore, this variant has been classified as Likely Pathogenic. Algorithms developed to predict the effect of sequence changes on RNA splicing suggest that this variant may disrupt the consensus splice site. This variant has not been reported in the literature in individuals affected with TRMU-related conditions. This variant is not present in population databases (ExAC no frequency). This sequence change affects a donor splice site in intron 3 of the TRMU gene. It is expected to disrupt RNA splicing. Variants that disrupt the donor or acceptor splice site typically lead to a loss of protein function (PMID: 16199547), and loss-of-function variants in TRMU are known to be pathogenic (PMID: 19732863, 23625533).

Literature cited by the submitters: PubMed 16199547; PubMed 19732863; PubMed 23625533.